The following is an entry in ClinVar:

NM_002692.4(POLE2):c.142A>T (p.Ile48Leu)

Gene: POLE2 (DNA polymerase epsilon 2, accessory subunit; minus strand). Cytogenetic location: 14q21.3.
Variant type: single nucleotide variant.
Coding change: c.142A>T on transcript NM_002692.4 (MANE Select); coding-DNA position 142, A replaced by T.
Protein change: p.Ile48Leu; replaces isoleucine 48 with leucine.
Molecular consequence: missense variant. On other transcripts: 5 prime UTR variant (1).
Genome position (GRCh38, 1-based): chr14:49,683,620, T>A on the plus strand (A>T on the coding strand, the complement: POLE2 is on the minus strand). VCF-style: chr14-49683620-T-A. GRCh37 (hg19) VCF-style: chr14-50150338-T-A.
Other names: c.142A>T, p.Ile48Leu (NM_001197330.2, NM_001197331.3, NM_001348384.2); c.-94A>T (NM_001348385.2); short protein forms I48L.
Identifiers: ClinVar variation 1930571 (VCV001930571.5), dbSNP rs2502941642, ClinGen allele CA389616352.

ClinVar aggregate classification (germline): Uncertain significance (1 of 4 stars; one submission).

Allele frequency attached by ClinVar (database versions not stated): gnomAD exomes below 0.00001.
gnomAD v4.1: 2 of 1,581,154 alleles (0.00013%); highest among the groups gnomAD compares: South Asian, 0.0022%; no homozygotes.

Submission:

Labcorp Genetics (formerly Invitae), Labcorp
Classification: Uncertain significance. Last evaluated: 2022-10-19. Review status: criteria provided, single submitter. Criteria: Invitae Variant Classification Sherloc (09022015). Collection method: clinical testing. Allele origin: germline.
Comment: This sequence change replaces isoleucine, which is neutral and non-polar, with leucine, which is neutral and non-polar, at codon 48 of the POLE2 protein (p.Ile48Leu). This variant is not present in population databases (gnomAD no frequency). This variant has not been reported in the literature in individuals affected with POLE2-related conditions. Algorithms developed to predict the effect of missense changes on protein structure and function (SIFT, PolyPhen-2, Align-GVGD) all suggest that this variant is likely to be tolerated. In summary, the available evidence is currently insufficient to determine the role of this variant in disease. Therefore, it has been classified as a Variant of Uncertain Significance.